The following is an entry in ClinVar:

ClinVar aggregate classification (germline): Uncertain significance. Review status: criteria provided, multiple submitters, no conflicts (2 of 4 stars). 2 submissions from 2 submitters: Uncertain significance (2). Last evaluated 2025-06-24.

Conditions:
Inborn genetic diseases. Identifiers: MedGen C0950123, MeSH D030342.

gnomAD v4.1: 26 of 1,603,468 alleles (0.0016%); highest among the groups gnomAD compares: Non-Finnish European, 0.0019%; no homozygotes.

Submissions (2):

Ambry Genetics
Classification: Uncertain significance for Inborn genetic diseases. Last evaluated: 2025-06-24. Review status: criteria provided, single submitter. Criteria: Ambry Variant Classification Scheme 2023. Collection method: clinical testing. Allele origin: germline.

Athena Diagnostics
Classification: Uncertain significance. Last evaluated: 2024-10-21. Review status: criteria provided, single submitter. Criteria: Athena Diagnostics Criteria. Collection method: clinical testing. Allele origin: unknown.
Comment: Available data are insufficient to determine the clinical significance of the variant at this time. The frequency of this variant in the general population is uninformative in assessment of its pathogenicity. Polyphen and MutationTaster predict this amino acid change may be damaging to the protein.

Literature cited by the submitters: PubMed 33543123 (cited by Athena Diagnostics).

NM_020247.5(COQ8A):c.1022T>C (p.Ile341Thr)

Gene: COQ8A (coenzyme Q8A; plus strand). Cytogenetic location: 1q42.13.
Variant type: single nucleotide variant.
Coding change: c.1022T>C on transcript NM_020247.5 (MANE Select); coding-DNA position 1022, T replaced by C.
Protein change: p.Ile341Thr; replaces isoleucine 341 with threonine.
Molecular consequence: missense variant.
Genome position (GRCh38, 1-based): chr1:226,982,976, T>C. VCF-style: chr1-226982976-T-C. GRCh37 (hg19) VCF-style: chr1-227170677-T-C.
Other names: short protein forms I341T.
Identifiers: ClinVar variation 3571857 (VCV003571857.2).